The following is an entry in ClinVar:

NM_000245.4(MET):c.3268G>T (p.Gly1090Cys)

Gene: MET (MET proto-oncogene, receptor tyrosine kinase; plus strand). Cytogenetic location: 7q31.2.
Variant type: single nucleotide variant.
Coding change: c.3268G>T on transcript NM_000245.4 (MANE Select); coding-DNA position 3268, G replaced by T.
Protein change: p.Gly1090Cys; replaces glycine 1090 with cysteine.
Molecular consequence: missense variant.
Genome position (GRCh38, 1-based): chr7:116,777,397, G>T. VCF-style: chr7-116777397-G-T. GRCh37 (hg19) VCF-style: chr7-116417451-G-T.
Other names: c.3322G>T, p.Gly1108Cys (NM_001127500.3); c.1978G>T, p.Gly660Cys (NM_001324402.2); short protein forms G1090C, G660C, G1108C.
Identifiers: ClinVar variation 2107031 (VCV002107031.5), dbSNP rs2117039745, ClinGen allele CA368989548.

ClinVar aggregate classification (germline): Uncertain significance. Review status: criteria provided, multiple submitters, no conflicts (2 of 4 stars). 2 submissions from 2 submitters: Uncertain significance (2). Last evaluated 2025-09-12.

Conditions:
Hereditary cancer-predisposing syndrome. Also called: Neoplastic Syndromes, Hereditary; Hereditary Cancer Syndrome; Hereditary neoplastic syndrome; Tumor predisposition. Identifiers: Orphanet 140162, MedGen C0027672, MeSH D009386, MONDO:0015356.
Renal cell carcinoma. Identifiers: Orphanet 217071, MedGen C0007134, MeSH D002292, MONDO:0005086, HP:0005584.

Submissions (2):

Ambry Genetics
Classification: Uncertain significance for Hereditary cancer-predisposing syndrome. Last evaluated: 2025-09-12. Review status: criteria provided, single submitter. Criteria: Ambry Variant Classification Scheme 2023. Collection method: clinical testing. Allele origin: germline.
Comment: The p.G1108C variant (also known as c.3322G>T), located in coding exon 15 of the MET gene, results from a G to T substitution at nucleotide position 3322. The glycine at codon 1108 is replaced by cysteine, an amino acid with highly dissimilar properties. This amino acid position is highly conserved in available vertebrate species. In addition, this alteration is predicted to be deleterious by in silico analysis. Based on the available evidence, the clinical significance of this variant remains unclear.

Labcorp Genetics (formerly Invitae), Labcorp
Classification: Uncertain significance for Renal cell carcinoma. Last evaluated: 2022-03-05. Review status: criteria provided, single submitter. Criteria: Invitae Variant Classification Sherloc (09022015). Collection method: clinical testing. Allele origin: germline.
Comment: This missense change has been observed in individual(s) with MET-related conditions (PMID: 28961830). This variant is not present in population databases (gnomAD no frequency). This sequence change replaces glycine, which is neutral and non-polar, with cysteine, which is neutral and slightly polar, at codon 1108 of the MET protein (p.Gly1108Cys). In summary, the available evidence is currently insufficient to determine the role of this variant in disease. Therefore, it has been classified as a Variant of Uncertain Significance. Algorithms developed to predict the effect of missense changes on protein structure and function (SIFT, PolyPhen-2, Align-GVGD) all suggest that this variant is likely to be disruptive.

Literature cited by the submitters: PubMed 28961830 (cited by Labcorp Genetics (formerly Invitae), Labcorp).